The following is an entry in ClinVar:

NM_203447.4(DOCK8):c.4694T>G (p.Phe1565Cys)

Gene: DOCK8 (dedicator of cytokinesis 8; plus strand). Cytogenetic location: 9p24.3.
Variant type: single nucleotide variant.
Coding change: c.4694T>G on transcript NM_203447.4 (MANE Select); coding-DNA position 4694, T replaced by G.
Protein change: p.Phe1565Cys; replaces phenylalanine 1565 with cysteine.
Molecular consequence: missense variant.
Genome position (GRCh38, 1-based): chr9:432,233, T>G. VCF-style: chr9-432233-T-G. GRCh37 (hg19) VCF-style: chr9-432233-T-G.
Other names: c.4394T>G, p.Phe1465Cys (NM_001190458.2); c.4490T>G, p.Phe1497Cys (NM_001193536.2); short protein forms F1465C, F1565C, F1497C.
Identifiers: ClinVar variation 1368962 (VCV001368962.6), dbSNP rs200574056, ClinGen allele CA372766720.

ClinVar aggregate classification (germline): Uncertain significance (1 of 4 stars; one submission).

Conditions:
Combined immunodeficiency due to DOCK8 deficiency (HIES2). Also called: HYPER-IgE RECURRENT INFECTION SYNDROME 2, AUTOSOMAL RECESSIVE; HYPER-IgE SYNDROME 2, AUTOSOMAL RECESSIVE, WITH RECURRENT INFECTIONS; HIES autosomal recessive; DOCK8 Deficiency; Hyper-IgE recurrent infection syndrome, autosomal recessive. Identifiers: Orphanet 217390, MedGen C4722305, MONDO:0009478, OMIM 243700.

Submission:

Labcorp Genetics (formerly Invitae), Labcorp
Classification: Uncertain significance for Combined immunodeficiency due to DOCK8 deficiency. Last evaluated: 2022-02-09. Review status: criteria provided, single submitter. Criteria: Invitae Variant Classification Sherloc (09022015). Collection method: clinical testing. Allele origin: germline.
Comment: In summary, the available evidence is currently insufficient to determine the role of this variant in disease. Therefore, it has been classified as a Variant of Uncertain Significance. Algorithms developed to predict the effect of missense changes on protein structure and function are either unavailable or do not agree on the potential impact of this missense change (SIFT: "Deleterious"; PolyPhen-2: "Probably Damaging"; Align-GVGD: "Class C0"). This variant has not been reported in the literature in individuals affected with DOCK8-related conditions. This variant is not present in population databases (gnomAD no frequency). This sequence change replaces phenylalanine, which is neutral and non-polar, with cysteine, which is neutral and slightly polar, at codon 1565 of the DOCK8 protein (p.Phe1565Cys).